The following is an entry in ClinVar:

NM_004067.4(CHN2):c.1269T>C (p.Asn423=)

Genes: CHN2 (chimerin 2; plus strand), PRR15-DT (PRR15 divergent transcript; minus strand). Cytogenetic location: 7p14.3.
Variant type: single nucleotide variant.
Coding change: c.1269T>C on transcript NM_004067.4 (MANE Select); coding-DNA position 1269, T replaced by C.
Protein change: p.Asn423=; no amino-acid change (asparagine 423 retained).
Molecular consequence: synonymous variant. On other transcripts: non-coding transcript variant (6), 3 prime UTR variant (1).
Genome position (GRCh38, 1-based): chr7:29,512,597, T>C. VCF-style: chr7-29512597-T-C. GRCh37 (hg19) VCF-style: chr7-29552213-T-C.
Other names: NM_001293069.1:c.1494T>C; c.861T>C, p.Asn287= (NM_001039936.3); c.1308T>C, p.Asn436= (NM_001293070.2); c.1164T>C, p.Asn388= (NM_001293071.2); c.1224T>C, p.Asn408= (NM_001293072.2); c.726T>C, p.Asn242= (NM_001293073.2); c.588T>C, p.Asn196= (NM_001293075.2); c.687T>C, p.Asn229= (NM_001293076.2); and 6 more.
Identifiers: ClinVar variation 3060363 (VCV003060363.2), dbSNP rs3750099, ClinGen allele CA4202402.
Genomic context (GRCh38, chr7:29,512,597, plus strand): 5'-TCTCTGTTCTATATGTTTGTTTTGCAGGGTTACTATGAATGAAAAAGACAATTTCATGAA[T>C]GCAGAAAATCTGGGGATCGTGTTTGGGCCCACTCTGATGAGGCCCCCTGAGGACAGCACC-3'
Protein context (NP_004058.1, residues 413-433): VTMNEKDNFM[Asn423=]AENLGIVFGP

ClinVar aggregate classification (germline): Benign (0 of 4 stars; one submission).

Conditions:
CHN2-related disorder. Also called: CHN2-related condition.

Allele frequency attached by ClinVar (database versions not stated): gnomAD exomes 0.04274; ExAC 0.10636; ESP Exome Variant Server 0.14501; gnomAD 0.15935; TOPMed 0.17411; 1000 Genomes Project 0.24381; 1000 Genomes Project 30x 0.24547.
gnomAD v4.1: 88,259 of 1,613,070 alleles (5.5%); highest among the groups gnomAD compares: African/African-American, 43%; 11,334 homozygotes.

Submission:

PreventionGenetics, part of Exact Sciences
Classification: Benign for CHN2-related condition. Last evaluated: 2019-07-18. Review status: no assertion criteria provided. Collection method: clinical testing. Allele origin: germline.
Comment: This variant is classified as benign based on ACMG/AMP sequence variant interpretation guidelines (Richards et al. 2015 PMID: 25741868, with internal and published modifications).